The following is an entry in ClinVar:

NM_000548.5(TSC2):c.4804G>A (p.Glu1602Lys)

Gene: TSC2 (TSC complex subunit 2; plus strand). Cytogenetic location: 16p13.3.
Variant type: single nucleotide variant.
Coding change: c.4804G>A on transcript NM_000548.5 (MANE Select); coding-DNA position 4804, G replaced by A.
Protein change: p.Glu1602Lys; replaces glutamic acid 1602 with lysine.
Molecular consequence: missense variant.
Genome position (GRCh38, 1-based): chr16:2,086,334, G>A. VCF-style: chr16-2086334-G-A. GRCh37 (hg19) VCF-style: chr16-2136335-G-A.
Other names: c.4603G>A, p.Glu1535Lys (NM_001077183.3); c.4735G>A, p.Glu1579Lys (NM_001114382.3); c.4495G>A, p.Glu1499Lys (NM_001318827.2); c.4459G>A, p.Glu1487Lys (NM_001318829.2); c.4072G>A, p.Glu1358Lys (NM_001318831.2); c.4636G>A, p.Glu1546Lys (NM_001318832.2); c.4606G>A, p.Glu1536Lys (NM_001363528.2); c.4672G>A, p.Glu1558Lys (NM_001370404.1); and 2 more; short protein forms E1358K, E1499K, E1559K, E1536K, E1546K, E1558K, E1602K, E1579K.
Identifiers: ClinVar variation 1398866 (VCV001398866.9), dbSNP rs2151575081, ClinGen allele CA394308056.
Genomic context (GRCh38, chr16:2,086,334, plus strand): 5'-ATCGAGCTGAAGGACTGCCAGCCGGACAAGGTGTACCTGGGAGGCCTGGACGTGTGTGGT[G>A]AGGACGGCCAGTTCACCTACTGCTGGCACGATGACATCATGCAAGGTACGGCCTGGCGCC-3'
Protein context (NP_000539.2, residues 1592-1612): VYLGGLDVCG[Glu1602Lys]DGQFTYCWHD

ClinVar aggregate classification (germline): Uncertain significance. Review status: criteria provided, multiple submitters, no conflicts (2 of 4 stars). 2 submissions from 2 submitters: Uncertain significance (2). Last evaluated 2025-03-03.

Conditions:
Tuberous sclerosis 2 (TSC2). Identifiers: Orphanet 805, MedGen C1860707, MONDO:0013199, OMIM 613254.

Submissions (2):

Labcorp Genetics (formerly Invitae), Labcorp
Classification: Uncertain significance for Tuberous sclerosis 2. Last evaluated: 2025-03-03. Review status: criteria provided, single submitter. Criteria: Invitae Variant Classification Sherloc (09022015). Collection method: clinical testing. Allele origin: germline.
Comment: This sequence change replaces glutamic acid, which is acidic and polar, with lysine, which is basic and polar, at codon 1602 of the TSC2 protein (p.Glu1602Lys). This variant is not present in population databases (gnomAD no frequency). This variant has not been reported in the literature in individuals affected with TSC2-related conditions. ClinVar contains an entry for this variant (Variation ID: 1398866). Invitae Evidence Modeling of protein sequence and biophysical properties (such as structural, functional, and spatial information, amino acid conservation, physicochemical variation, residue mobility, and thermodynamic stability) indicates that this missense variant is not expected to disrupt TSC2 protein function with a negative predictive value of 95%. In summary, the available evidence is currently insufficient to determine the role of this variant in disease. Therefore, it has been classified as a Variant of Uncertain Significance.

Athena Diagnostics
Classification: Uncertain significance. Last evaluated: 2024-10-07. Review status: criteria provided, single submitter. Criteria: Athena Diagnostics Criteria. Collection method: clinical testing. Allele origin: unknown.
Comment: Available data are insufficient to determine the clinical significance of the variant at this time. This variant has not been reported in large, multi-ethnic general populations. Polyphen and MutationTaster yielded discordant predictions regarding whether this amino acid change is damaging to the protein.